The following is an entry in ClinVar:

ClinVar aggregate classification (germline): Pathogenic (1 of 4 stars; one submission).

Allele frequency attached by ClinVar (database versions not stated): gnomAD 0.00001; gnomAD exomes below 0.00001; TOPMed below 0.00001.

Submission:

Labcorp Genetics (formerly Invitae), Labcorp
Classification: Pathogenic. Last evaluated: 2023-10-27. Review status: criteria provided, single submitter. Criteria: Invitae Variant Classification Sherloc (09022015). Collection method: clinical testing. Allele origin: germline.
Comment: This sequence change creates a premature translational stop signal (p.Thr231Metfs*49) in the SLC45A2 gene. It is expected to result in an absent or disrupted protein product. Loss-of-function variants in SLC45A2 are known to be pathogenic (PMID: 21458243, 26573111). This variant is present in population databases (no rsID available, gnomAD 0.007%). This variant has not been reported in the literature in individuals affected with SLC45A2-related conditions. ClinVar contains an entry for this variant (Variation ID: 1917650). Algorithms developed to predict the effect of sequence changes on RNA splicing suggest that this variant may create or strengthen a splice site. For these reasons, this variant has been classified as Pathogenic.

Literature cited by the submitters: PubMed 21458243; PubMed 26573111.

NM_016180.5(SLC45A2):c.692del (p.Thr231fs)

Gene: SLC45A2 (solute carrier family 45 member 2; minus strand). Cytogenetic location: 5p13.2.
Variant type: Deletion.
Coding change: c.692del on transcript NM_016180.5 (MANE Select); coding-DNA position 692, one base deleted (C; older notation c.692delC).
Protein change: p.Thr231fs; shifts the reading frame from threonine 231.
Molecular consequence: frameshift variant. On other transcripts: intron variant (1).
Genome position (GRCh38, 1-based): chr5:33,963,887, G deleted on the plus strand (C on the coding strand, the reverse complement: SLC45A2 is on the minus strand). VCF-style (leftmost placement, unchanged base first): chr5-33963886-AG-A. GRCh37 (hg19) VCF-style: chr5-33963991-AG-A.
Other names: c.692del, p.Thr231fs (NM_001012509.4); c.563-9383del (NM_001297417.4); short protein forms T231fs.
Identifiers: ClinVar variation 1917650 (VCV001917650.5), dbSNP rs1184883440, ClinGen allele CA559293856.